The following is an entry in ClinVar:

ClinVar aggregate classification (germline): Benign. Review status: criteria provided, multiple submitters, no conflicts (2 of 4 stars). 5 submissions from 5 submitters: Benign (5). Last evaluated 2026-01-20.

Conditions:
Tuberous sclerosis syndrome (TSC). Also called: Tuberous sclerosis; Tuberous Sclerosis Complex. Identifiers: Orphanet 805, MedGen C0041341, MONDO:0001734.
Tuberous sclerosis 2 (TSC2). Identifiers: Orphanet 805, MedGen C1860707, MONDO:0013199, OMIM 613254.

Allele frequency attached by ClinVar (database versions not stated): TOPMed 0.00001; ESP Exome Variant Server 0.00008; 1000 Genomes Project 30x 0.00016.
gnomAD v4.1: 224 of 1,613,956 alleles (0.014%); highest among the groups gnomAD compares: East Asian, 0.49%; no homozygotes.

Submissions (5):

Labcorp Genetics (formerly Invitae), Labcorp
Classification: Benign for Tuberous sclerosis 2. Last evaluated: 2026-01-20. Review status: criteria provided, single submitter. Criteria: Invitae Variant Classification Sherloc (09022015). Collection method: clinical testing. Allele origin: germline.

Blueprint Genetics
Classification: Benign. Last evaluated: 2024-09-03. Review status: criteria provided, single submitter. Criteria: ACMG Guidelines, 2015. Collection method: clinical testing. Allele origin: germline.

Genome-Nilou Lab
Classification: Benign for Tuberous sclerosis 2. Last evaluated: 2021-11-07. Review status: criteria provided, single submitter. Criteria: ACMG Guidelines, 2015. Collection method: clinical testing. Allele origin: germline. Affected: no.

Illumina Laboratory Services, Illumina
Classification: Benign for Tuberous sclerosis syndrome. Last evaluated: 2018-01-12. Review status: criteria provided, single submitter. Criteria: ICSL Variant Classification Criteria 13 December 2019. Collection method: clinical testing. Allele origin: germline.
Comment: This variant was observed in the ICSL laboratory as part of a predisposition screen in an ostensibly healthy population. It had not been previously curated by ICSL or reported in the Human Gene Mutation Database (HGMD: prior to June 1st, 2018), and was therefore a candidate for classification through an automated scoring system. Utilizing variant allele frequency, disease prevalence and penetrance estimates, and inheritance mode, an automated score was calculated to assess if this variant is too frequent to cause the disease. Based on the score and internal cut-off values, a variant classified as benign is not then subjected to further curation. The score for this variant resulted in a classification of benign for this disease.

GeneDx
Classification: Benign. Last evaluated: 2014-02-06. Review status: criteria provided, single submitter. Criteria: GeneDx Variant Classification (06012015). Collection method: clinical testing. Allele origin: germline. Affected: yes.
Comment: This variant is considered likely benign or benign based on one or more of the following criteria: it is a conservative change, it occurs at a poorly conserved position in the protein, it is predicted to be benign by multiple in silico algorithms, and/or has population frequency not consistent with disease.

NM_000548.5(TSC2):c.138+14C>G

Gene: TSC2 (TSC complex subunit 2; plus strand). Cytogenetic location: 16p13.3.
Variant type: single nucleotide variant.
Coding change: c.138+14C>G on transcript NM_000548.5 (MANE Select); 14 bases into the intron after coding-DNA position 138, C replaced by G.
Molecular consequence: intron variant.
Genome position (GRCh38, 1-based): chr16:2,048,767, C>G. VCF-style: chr16-2048767-C-G. GRCh37 (hg19) VCF-style: chr16-2098768-C-G.
Other names: c.138+14C>G (NM_001114382.3, NM_021055.3, NM_001370405.1 and 4 more transcripts); c.-89+14C>G (NM_001318831.2); c.-10+702C>G (NM_001318829.2); c.171+14C>G (NM_001318832.2).
Identifiers: ClinVar variation 137736 (VCV000137736.15), dbSNP rs201204330, ClinGen allele CA014640.
Genomic context (GRCh38, chr16:2,048,767, plus strand): 5'-CAGAGGGTAAACAGACGGAGTTTATCATCACCGCGGAAATACTGAGAGTGAGTGAGCTAC[C>G]TGTGTCTTTGCTAGGCTAGAGGGAAATGCAGAGAAGGCTGGGTTTGGTCTTGCACCAGGT-3'